The following is an entry in ClinVar:

ClinVar aggregate classification (germline): Uncertain significance (0 of 4 stars; one submission).

Conditions:
BBS9-related disorder. Also called: BBS9-related condition.

gnomAD v4.1: 2 of 1,611,970 alleles (0.00012%); highest among the groups gnomAD compares: Admixed American, 0.0017%; no homozygotes.

Submission:

PreventionGenetics, part of Exact Sciences
Classification: Uncertain significance for BBS9-related condition. Last evaluated: 2024-02-28. Review status: no assertion criteria provided. Collection method: clinical testing. Allele origin: germline.
Comment: The BBS9 c.1564G>A variant is predicted to result in the amino acid substitution p.Val522Ile. To our knowledge, this variant has not been reported in the literature or in a large population database, indicating this variant is rare. At this time, the clinical significance of this variant is uncertain due to the absence of conclusive functional and genetic evidence.

NM_198428.3(BBS9):c.1564G>A (p.Val522Ile)

Gene: BBS9 (Bardet-Biedl syndrome 9; plus strand). Cytogenetic location: 7p14.3.
Variant type: single nucleotide variant.
Coding change: c.1564G>A on transcript NM_198428.3 (MANE Select); coding-DNA position 1564, G replaced by A.
Protein change: p.Val522Ile; replaces valine 522 with isoleucine.
Molecular consequence: missense variant. On other transcripts: non-coding transcript variant (3).
Genome position (GRCh38, 1-based): chr7:33,357,866, G>A. VCF-style: chr7-33357866-G-A. GRCh37 (hg19) VCF-style: chr7-33397478-G-A.
Other names: c.1459G>A, p.Val487Ile (NM_001033604.2); c.1549G>A, p.Val517Ile (NM_001033605.2); c.1564G>A, p.Val522Ile (NM_001348036.1, NM_001348041.4, NM_001348043.3 and 1 more transcripts); c.1198G>A, p.Val400Ile (NM_001348037.3, NM_001348045.3, NM_001348046.3); c.1291G>A, p.Val431Ile (NM_001348038.3); c.1186G>A, p.Val396Ile (NM_001348039.3); c.1444G>A, p.Val482Ile (NM_001348040.3, NM_014451.4); c.1429G>A, p.Val477Ile (NM_001348042.3); and 1 more; short protein forms V365I, V396I, V400I, V431I, V477I, V482I, V487I, V517I.
Identifiers: ClinVar variation 3349700 (VCV003349700.1).